The following is an entry in ClinVar:

NM_003072.5(SMARCA4):c.4217A>G (p.Gln1406Arg)

Gene: SMARCA4 (SWI/SNF related BAF chromatin remodeling complex subunit ATPase 4; plus strand). Cytogenetic location: 19p13.2.
Variant type: single nucleotide variant.
Coding change: c.4217A>G on transcript NM_003072.5 (MANE Select); coding-DNA position 4217, A replaced by G.
Protein change: p.Gln1406Arg; replaces glutamine 1406 with arginine.
Molecular consequence: missense variant. On other transcripts: non-coding transcript variant (1).
Genome position (GRCh38, 1-based): chr19:11,041,353, A>G. VCF-style: chr19-11041353-A-G. GRCh37 (hg19) VCF-style: chr19-11152029-A-G.
Other names: c.4217A>G, p.Gln1406Arg (NM_001128844.3); c.4127A>G, p.Gln1376Arg (NM_001128845.2, NM_001128846.2); c.4118A>G, p.Gln1373Arg (NM_001128847.4, NM_001128848.2, NM_001374457.1); c.4313A>G, p.Gln1438Arg (NM_001128849.3); short protein forms Q1438R, Q1373R, Q1376R, Q1406R.
Identifiers: ClinVar variation 834809 (VCV000834809.13), dbSNP rs2075599157, ClinGen allele CA404072940.

ClinVar aggregate classification (germline): Uncertain significance. Review status: criteria provided, multiple submitters, no conflicts (2 of 4 stars). 2 submissions from 2 submitters: Uncertain significance (2). Last evaluated 2025-12-17.

Conditions:
Hereditary cancer-predisposing syndrome. Also called: Hereditary neoplastic syndrome; Neoplastic Syndromes, Hereditary; Tumor predisposition; Hereditary Cancer Syndrome. Identifiers: Orphanet 140162, MedGen C0027672, MeSH D009386, MONDO:0015356.
Rhabdoid tumor predisposition syndrome 2 (RTPS2). Identifiers: Orphanet 231108, Orphanet 69077, MedGen C2750074, MONDO:0013224, OMIM 613325.

Allele frequency attached by ClinVar (database versions not stated): gnomAD exomes below 0.00001.
gnomAD v4.1: 1 of 1,612,606 alleles (0.000062%); highest among the groups gnomAD compares: East Asian, 0.0022%; no homozygotes.

Submissions (2):

Labcorp Genetics (formerly Invitae), Labcorp
Classification: Uncertain significance for Rhabdoid tumor predisposition syndrome 2. Last evaluated: 2025-12-17. Review status: criteria provided, single submitter. Criteria: Invitae Variant Classification Sherloc (09022015). Collection method: clinical testing. Allele origin: germline.
Comment: This sequence change replaces glutamine, which is neutral and polar, with arginine, which is basic and polar, at codon 1438 of the SMARCA4 protein (p.Gln1438Arg). This variant is not present in population databases (gnomAD no frequency). This variant has not been reported in the literature in individuals affected with SMARCA4-related conditions. ClinVar contains an entry for this variant (Variation ID: 834809). Invitae Evidence Modeling of protein sequence and biophysical properties (such as structural, functional, and spatial information, amino acid conservation, physicochemical variation, residue mobility, and thermodynamic stability) indicates that this missense variant is not expected to disrupt SMARCA4 protein function with a negative predictive value of 95%. In summary, the available evidence is currently insufficient to determine the role of this variant in disease. Therefore, it has been classified as a Variant of Uncertain Significance.

Ambry Genetics
Classification: Uncertain significance for Hereditary cancer-predisposing syndrome. Last evaluated: 2025-10-09. Review status: criteria provided, single submitter. Criteria: Ambry Variant Classification Scheme 2023. Collection method: clinical testing. Allele origin: germline.
Comment: The p.Q1438R variant (also known as c.4313A>G), located in coding exon 30 of the SMARCA4 gene, results from an A to G substitution at nucleotide position 4313. The glutamine at codon 1438 is replaced by arginine, an amino acid with highly similar properties. This amino acid position is not well conserved in available vertebrate species. In addition, this alteration is predicted to be tolerated by in silico analysis. Missense and in-frame variants in SMARCA4 are known to cause neurodevelopmental disorders; however, such associations with rhabdoid tumor predisposition syndrome including small cell carcinoma of the ovary-hypercalcemic type (SCCOHT) are exceedingly rare (Kosho T et al. Am J Med Genet C Semin Med Genet. 2014 Sep;166C(3):262-75; Jelinic P et al. Nat Genet. 2014 May;46(5):424-6). Based on the supporting evidence, the association of this alteration with Coffin-Siris syndrome (CSS) is unknown; however, the association of this alteration with rhabdoid tumor predisposition syndrome is unlikely.